The following is an entry in ClinVar:

NM_020822.3(KCNT1):c.1497C>T (p.His499=)

Gene: KCNT1 (potassium sodium-activated channel subfamily T member 1; plus strand). Cytogenetic location: 9q34.3.
Variant type: single nucleotide variant.
Coding change: c.1497C>T on transcript NM_020822.3 (MANE Select); coding-DNA position 1497, C replaced by T.
Protein change: p.His499=; no amino-acid change (histidine 499 retained).
Molecular consequence: synonymous variant.
Genome position (GRCh38, 1-based): chr9:135,768,924, C>T. VCF-style: chr9-135768924-C-T. GRCh37 (hg19) VCF-style: chr9-138660770-C-T.
Other names: c.1362C>T, p.His454= (NM_001272003.2).
Identifiers: ClinVar variation 698102 (VCV000698102.38), dbSNP rs754670800, ClinGen allele CA5326919.
Genomic context (GRCh38, chr9:135,768,924, plus strand): 5'-GGACTTCGCCCCCAACTGCCCCCTCTACGTCCAGATCCTCAAACCTGAAAACAAGTTTCA[C>T]GTCAAGTTTGCTGGTGCGTCTGGGGCACACGTGGGTGATGGTGTATCTGGGGCAGGGCAC-3'
Protein context (NP_065873.2, residues 489-509): VQILKPENKF[His499=]VKFADHVVCE

ClinVar aggregate classification (germline): Likely benign. Review status: criteria provided, multiple submitters, no conflicts (2 of 4 stars). 6 submissions from 5 submitters: Likely benign (6). Last evaluated 2025-11-26.

Conditions:
Developmental and epileptic encephalopathy, 14 (DEE14). Also called: Early infantile epileptic encephalopathy 14. Identifiers: Orphanet 293181, MedGen C3554195, MONDO:0013989, OMIM 614959.
Autosomal dominant nocturnal frontal lobe epilepsy 5. Also called: CILIARY DYSKINESIA, PRIMARY, 28, WITHOUT SITUS INVERSUS; CILIARY DYSKINESIA, PRIMARY, 28, WITH SITUS INVERSUS; Epilepsy, nocturnal frontal lobe, 5; KCNT1-Related Epilepsy. Identifiers: Orphanet 98784, MedGen C3554306, MONDO:0014002, OMIM 615005.

Allele frequency attached by ClinVar (database versions not stated): ExAC 0.00003; gnomAD exomes 0.00003 and 0.00004; gnomAD 0.00004; TOPMed 0.00004.
gnomAD v4.1: 65 of 1,612,778 alleles (0.004%); highest among the groups gnomAD compares: Middle Eastern, 0.049%; no homozygotes.

Submissions (6):

Labcorp Genetics (formerly Invitae), Labcorp
Classification: Likely benign for Autosomal dominant nocturnal frontal lobe epilepsy 5; Developmental and epileptic encephalopathy, 14. Last evaluated: 2025-11-26. Review status: criteria provided, single submitter. Criteria: Invitae Variant Classification Sherloc (09022015). Collection method: clinical testing. Allele origin: germline.

Blueprint Genetics
Classification: Likely benign. Last evaluated: 2024-11-08. Review status: criteria provided, single submitter. Criteria: ACMG Guidelines, 2015. Collection method: clinical testing. Allele origin: germline.

CeGaT Center for Human Genetics Tuebingen
Classification: Likely benign. Last evaluated: 2023-01-01. Review status: criteria provided, single submitter. Criteria: CeGaT Center For Human Genetics Tuebingen Variant Classification Criteria Version 2. Collection method: clinical testing. Allele origin: germline. Affected: yes. Observed: 2 variant alleles.
Comment: KCNT1: BP4, BP7

Genome-Nilou Lab
Classification: Likely benign for Developmental and epileptic encephalopathy, 14. Last evaluated: 2022-03-15. Review status: criteria provided, single submitter. Criteria: ACMG Guidelines, 2015. Collection method: clinical testing. Allele origin: germline. Affected: no.

Genome-Nilou Lab
Classification: Likely benign for Autosomal dominant nocturnal frontal lobe epilepsy 5. Last evaluated: 2022-03-15. Review status: criteria provided, single submitter. Criteria: ACMG Guidelines, 2015. Collection method: clinical testing. Allele origin: germline. Affected: no.

GeneDx
Classification: Likely benign. Last evaluated: 2018-11-01. Review status: criteria provided, single submitter. Criteria: GeneDx Variant Classification Process June 2021. Collection method: clinical testing. Allele origin: germline. Affected: yes.